The following is an entry in ClinVar:

ClinVar aggregate classification (germline): Uncertain significance (1 of 4 stars; one submission).

Allele frequency attached by ClinVar (database versions not stated): gnomAD exomes below 0.00001.
gnomAD v4.1: 2 of 1,614,198 alleles (0.00012%); highest among the groups gnomAD compares: Admixed American, 0.0017%; no homozygotes.

Submission:

Labcorp Genetics (formerly Invitae), Labcorp
Classification: Uncertain significance. Last evaluated: 2022-04-17. Review status: criteria provided, single submitter. Criteria: Invitae Variant Classification Sherloc (09022015). Collection method: clinical testing. Allele origin: germline.
Comment: In summary, the available evidence is currently insufficient to determine the role of this variant in disease. Therefore, it has been classified as a Variant of Uncertain Significance. Algorithms developed to predict the effect of missense changes on protein structure and function are either unavailable or do not agree on the potential impact of this missense change (SIFT: "Not Available"; PolyPhen-2: "Benign"; Align-GVGD: "Not Available"). This variant has not been reported in the literature in individuals affected with VPS13D-related conditions. This variant is present in population databases (no rsID available, gnomAD 0.003%). This sequence change replaces proline, which is neutral and non-polar, with serine, which is neutral and polar, at codon 1763 of the VPS13D protein (p.Pro1763Ser).

NM_015378.4(VPS13D):c.5287C>T (p.Pro1763Ser)

Gene: VPS13D (vacuolar protein sorting 13 homolog D; plus strand). Cytogenetic location: 1p36.22.
Variant type: single nucleotide variant.
Coding change: c.5287C>T on transcript NM_015378.4 (MANE Select); coding-DNA position 5287, C replaced by T.
Protein change: p.Pro1763Ser; replaces proline 1763 with serine.
Molecular consequence: missense variant.
Genome position (GRCh38, 1-based): chr1:12,283,389, C>T. VCF-style: chr1-12283389-C-T. GRCh37 (hg19) VCF-style: chr1-12343446-C-T.
Other names: c.5287C>T, p.Pro1763Ser (NM_018156.4); short protein forms P1763S.
Identifiers: ClinVar variation 1975352 (VCV001975352.5), dbSNP rs1401977191, ClinGen allele CA338483346.
Genomic context (GRCh38, chr1:12,283,389, plus strand): 5'-ACCTCTGCGTCCCGGAAAAAGCAAAAGGAAGTCCAAGACAAGGACTATCCCTTGACCCCA[C>T]CTCCTTCTCCAACAGTGGATGAGCCCAAGATACTTGTTGGAAAGAGTAAATTTGATGATT-3'
Protein context (NP_056193.2, residues 1753-1773): VQDKDYPLTP[Pro1763Ser]PSPTVDEPKI